The following is an entry in ClinVar:

ClinVar aggregate classification (germline): Uncertain significance (1 of 4 stars; one submission).

Allele frequency attached by ClinVar (database versions not stated): gnomAD exomes 0.00003 and 0.00006; ExAC 0.00005; gnomAD 0.00070 and 0.00076; 1000 Genomes Project 0.00120; ESP Exome Variant Server 0.00134.

Submission:

Labcorp Genetics (formerly Invitae), Labcorp
Classification: Uncertain significance. Last evaluated: 2026-01-19. Review status: criteria provided, single submitter. Criteria: Invitae Variant Classification Sherloc (09022015). Collection method: clinical testing. Allele origin: germline.
Comment: This sequence change affects a splice site in intron 1 of the MICAL1 gene. It is expected to disrupt RNA splicing. Variants that disrupt the donor or acceptor splice site typically lead to a loss of protein function (PMID: 16199547), however the current clinical and genetic evidence is not sufficient to establish whether loss-of-function variants in MICAL1 cause disease. The frequency data for this variant in the population databases is considered unreliable, as metrics indicate poor data quality at this position in the gnomAD database. This variant has not been reported in the literature in individuals affected with MICAL1-related conditions. ClinVar contains an entry for this variant (Variation ID: 1436877). Algorithms developed to predict the effect of sequence changes on RNA splicing suggest that this variant may disrupt the consensus splice site. In summary, the available evidence is currently insufficient to determine the role of this variant in disease. Therefore, it has been classified as a Variant of Uncertain Significance.

Literature cited by the submitters: PubMed 16199547.

NM_022765.4(MICAL1):c.-43-2_-43-1insCCTCT

Gene: MICAL1 (microtubule associated monooxygenase, calponin and LIM domain containing 1; minus strand). Cytogenetic location: 6q21.
Variant type: Insertion.
Coding change: c.-43-2_-43-1insCCTCT on transcript NM_022765.4 (MANE Select); the canonical splice acceptor site of the intron before 43 bases upstream of the start codon, CCTCT inserted.
Molecular consequence: splice acceptor variant.
Genome position: GRCh38 VCF-style: chr6-109454240-C-CAGAGG. GRCh37 (hg19) VCF-style: chr6-109775443-C-CAGAGG.
Other names: c.15-2_15-1insCCTCT (NM_001286613.2); c.-43-2_-43-1insCCTCT (NM_001159291.2).
Identifiers: ClinVar variation 1436877 (VCV001436877.6), dbSNP rs557156529, ClinGen allele CA3953921.